The following is an entry in ClinVar:

NM_024408.4(NOTCH2):c.2222A>C (p.Tyr741Ser)

Gene: NOTCH2 (notch receptor 2; minus strand). Cytogenetic location: 1p12.
Variant type: single nucleotide variant.
Coding change: c.2222A>C on transcript NM_024408.4 (MANE Select); coding-DNA position 2222, A replaced by C.
Protein change: p.Tyr741Ser; replaces tyrosine 741 with serine.
Molecular consequence: missense variant.
Genome position (GRCh38, 1-based): chr1:119,953,686, T>G on the plus strand (A>C on the coding strand, the complement: NOTCH2 is on the minus strand). VCF-style: chr1-119953686-T-G. GRCh37 (hg19) VCF-style: chr1-120496309-T-G.
Other names: c.2222A>C, p.Tyr741Ser (NM_001200001.2); short protein forms Y741S.
Identifiers: ClinVar variation 2121579 (VCV002121579.4), dbSNP rs2526252769, ClinGen allele CA341865251.
Genomic context (GRCh38, chr1:119,953,686, plus strand): 5'-CATTCATTTTTGTCCACTTCACAGTTGATGCCAACCCAGCCTGCATCACAGAGACACTTA[T>G]ATCTGAAAGAAGACAAAACTTTTTACTATAGGAGGTATAAACGTATGATTGAGTCATAGA-3'
Protein context (NP_077719.2, residues 731-751): HGNCTGGLSG[Tyr741Ser]KCLCDAGWVG

ClinVar aggregate classification (germline): Uncertain significance (1 of 4 stars; one submission).

Conditions:
Hajdu-Cheney syndrome (HJCYS). Also called: SERPENTINE FIBULA-POLYCYSTIC KIDNEY SYNDROME; Acroosteolysis dominant type; ACROOSTEOLYSIS WITH OSTEOPOROSIS AND CHANGES IN SKULL AND MANDIBLE. Identifiers: Orphanet 955, MedGen C0917715, MONDO:0007057, OMIM 102500.

Submission:

Labcorp Genetics (formerly Invitae), Labcorp
Classification: Uncertain significance for Hajdu-Cheney syndrome. Last evaluated: 2022-04-04. Review status: criteria provided, single submitter. Criteria: Invitae Variant Classification Sherloc (09022015). Collection method: clinical testing. Allele origin: germline.
Comment: In summary, the available evidence is currently insufficient to determine the role of this variant in disease. Therefore, it has been classified as a Variant of Uncertain Significance. Algorithms developed to predict the effect of missense changes on protein structure and function (SIFT, PolyPhen-2, Align-GVGD) all suggest that this variant is likely to be disruptive. This variant has not been reported in the literature in individuals affected with NOTCH2-related conditions. This variant is not present in population databases (gnomAD no frequency). This sequence change replaces tyrosine, which is neutral and polar, with serine, which is neutral and polar, at codon 741 of the NOTCH2 protein (p.Tyr741Ser).